The following is an entry in ClinVar:

ClinVar aggregate classification (germline): Uncertain significance. Review status: criteria provided, multiple submitters, no conflicts (2 of 4 stars). 2 submissions from 2 submitters: Uncertain significance (2). Last evaluated 2025-06-12.

Conditions:
Succinate-semialdehyde dehydrogenase deficiency (SSADHD). Also called: Succinic Semialdehyde Dehydrogenase Deficiency; 4-HYDROXYBUTYRIC ACIDURIA; GABA METABOLIC DEFECT; SSADH DEFICIENCY. Identifiers: Orphanet 22, MedGen C0268631, MONDO:0010083, OMIM 271980.

Allele frequency attached by ClinVar (database versions not stated): TOPMed below 0.00001.

Submissions (2):

3billion
Classification: Uncertain significance for Succinate-semialdehyde dehydrogenase deficiency. Last evaluated: 2025-06-12. Review status: criteria provided, single submitter. Criteria: ACMG Guidelines, 2015. Collection method: clinical testing. Allele origin: germline. Affected: yes.
Comment: The variant is not observed in the gnomAD v4.1.0 dataset. Predicted Consequence/Location: Missense variant In silico tool predictions suggest damaging effect of the variant on gene or gene product [REVEL: 0.90 (>=0.6, sensitivity 0.68 and specificity 0.92); 3Cnet: 0.88 (> 0.75, sensitivity 0.96 and precision 0.92)]. A different missense change at the same codon (p.Cys340Trp) has been reported to be associated with ALDH5A1-related disorder (PMID: 35094435). However the evidence of pathogenicity is insufficient at this time. Therefore, this variant is classified as VUS according to the recommendation of ACMG/AMP guideline.

Labcorp Genetics (formerly Invitae), Labcorp
Classification: Uncertain significance for Succinate-semialdehyde dehydrogenase deficiency. Last evaluated: 2021-07-17. Review status: criteria provided, single submitter. Criteria: Invitae Variant Classification Sherloc (09022015). Collection method: clinical testing. Allele origin: germline.
Comment: Advanced modeling of protein sequence and biophysical properties (such as structural, functional, and spatial information, amino acid conservation, physicochemical variation, residue mobility, and thermodynamic stability) performed at Invitae indicates that this missense variant is expected to disrupt ALDH5A1 protein function. In summary, the available evidence is currently insufficient to determine the role of this variant in disease. Therefore, it has been classified as a Variant of Uncertain Significance. This variant has not been reported in the literature in individuals affected with ALDH5A1-related conditions. This sequence change replaces cysteine with serine at codon 340 of the ALDH5A1 protein (p.Cys340Ser). The cysteine residue is highly conserved and there is a moderate physicochemical difference between cysteine and serine. This variant is not present in population databases (ExAC no frequency).

Literature cited by the submitters: PubMed 35094435 (cited by 3billion).

NM_001080.3(ALDH5A1):c.1019G>C (p.Cys340Ser)

Gene: ALDH5A1 (aldehyde dehydrogenase 5 family member A1; plus strand). Cytogenetic location: 6p22.3.
Variant type: single nucleotide variant.
Coding change: c.1019G>C on transcript NM_001080.3 (MANE Select); coding-DNA position 1019, G replaced by C.
Protein change: p.Cys340Ser; replaces cysteine 340 with serine.
Molecular consequence: missense variant.
Genome position (GRCh38, 1-based): chr6:24,522,771, G>C. VCF-style: chr6-24522771-G-C. GRCh37 (hg19) VCF-style: chr6-24522999-G-C.
Other names: c.875G>C, p.Cys292Ser (NM_001368954.1); c.1058G>C, p.Cys353Ser (NM_170740.1); short protein forms C292S, C353S, C340S.
Identifiers: ClinVar variation 1493130 (VCV001493130.9), dbSNP rs1365441831, ClinGen allele CA362975730.
Genomic context (GRCh38, chr6:24,522,771, plus strand): 5'-GGTCAGGTCTGCAGCTTCTGACAGACTGTGTGGGTTTGTTTTTGTCTCCTGTCCAGACTT[G>C]TGTTTGCTCAAACCAATTCTTGGTGCAAAGGGGCATCCATGATGCCTTTGTAAAAGCATT-3'
Protein context (NP_001071.1, residues 330-350): ASKFRNTGQT[Cys340Ser]VCSNQFLVQR